The following is an entry in ClinVar:

ClinVar aggregate classification (germline): Conflicting classifications of pathogenicity. Review status: criteria provided, conflicting classifications (1 of 4 stars). 5 submissions from 5 submitters: Uncertain significance (4); Likely benign (1). Last evaluated 2024-08-07.

Conditions:
Hereditary cancer-predisposing syndrome. Also called: Neoplastic Syndromes, Hereditary; Tumor predisposition; Hereditary Cancer Syndrome; Hereditary neoplastic syndrome. Identifiers: Orphanet 140162, MedGen C0027672, MeSH D009386, MONDO:0015356.
Hereditary breast ovarian cancer syndrome. Also called: Hereditary breast and ovarian cancer syndrome; Hereditary breast and ovarian cancer; Hereditary breast and ovarian cancer syndrome (HBOC); Breast and ovarian cancer; Hereditary breast and/or ovarian cancer syndrome; BRCA1- and BRCA2-Associated Hereditary Breast and Ovarian Cancer. Identifiers: Orphanet 145, MedGen C0677776, MeSH D061325, MONDO:0003582. Disease mechanism: loss of function.

Allele frequency attached by ClinVar (database versions not stated): gnomAD exomes 0.00001.

Submissions (5):

Labcorp Genetics (formerly Invitae), Labcorp
Classification: Uncertain significance for Hereditary breast ovarian cancer syndrome. Last evaluated: 2024-08-07. Review status: criteria provided, single submitter. Criteria: Invitae Variant Classification Sherloc (09022015). Collection method: clinical testing. Allele origin: germline.
Comment: This sequence change replaces lysine, which is basic and polar, with glutamic acid, which is acidic and polar, at codon 307 of the BRCA1 protein (p.Lys307Glu). This variant is present in population databases (no rsID available, gnomAD 0.01%). This missense change has been observed in individual(s) with hereditary breast and ovarian cancer (PMID: 26848529, 30702160). ClinVar contains an entry for this variant (Variation ID: 482907). Advanced modeling of protein sequence and biophysical properties (such as structural, functional, and spatial information, amino acid conservation, physicochemical variation, residue mobility, and thermodynamic stability) performed at Invitae indicates that this missense variant is not expected to disrupt BRCA1 protein function with a negative predictive value of 95%. In summary, the available evidence is currently insufficient to determine the role of this variant in disease. Therefore, it has been classified as a Variant of Uncertain Significance.

Ambry Genetics
Classification: Uncertain significance for Hereditary cancer-predisposing syndrome. Last evaluated: 2024-02-07. Review status: criteria provided, single submitter. Criteria: Ambry Variant Classification Scheme 2023. Collection method: clinical testing. Allele origin: germline.
Comment: The p.K307E variant (also known as c.919A>G), located in coding exon 9 of the BRCA1 gene, results from an A to G substitution at nucleotide position 919. The lysine at codon 307 is replaced by glutamic acid, an amino acid with similar properties. This alteration was detected in 10/92 breast and/or ovarian cancer families from mainland China and was noted to be the most common variant in BRCA1 found in this cohort (Kim YC et al. Oncotarget. 2016 Feb 23;7(8):9600-12). This amino acid position is not well conserved in available vertebrate species. In addition, the in silico prediction for this alteration is inconclusive. Based on the available evidence, the clinical significance of this alteration remains unclear.

University of Washington Department of Laboratory Medicine, University of Washington
Classification: Likely benign for Hereditary cancer-predisposing syndrome. Last evaluated: 2023-03-23. Review status: criteria provided, single submitter. Criteria: Dines et al. (Genet Med. 2020). Collection method: curation. Allele origin: germline.
Comment: Missense variant in a coldspot region where missense variants are very unlikely to be pathogenic (PMID:31911673).

BRCA1 coldspot (exon 11 using historical exon numbering). Reclassification based on statistical prior probability

Color Diagnostics, LLC DBA Color Health
Classification: Uncertain significance for Hereditary cancer-predisposing syndrome. Last evaluated: 2022-04-18. Review status: criteria provided, single submitter. Criteria: ACMG Guidelines, 2015. Collection method: clinical testing. Allele origin: germline.
Comment: This missense variant replaces lysine with glutamic acid at codon 307 of the BRCA1 protein. Computational prediction is inconclusive regarding the impact of this variant on protein structure and function (internally defined REVEL score threshold 0.5 < inconclusive < 0.7, PMID: 27666373). To our knowledge, functional studies have not been reported for this variant. This variant has been reported in individuals affected with familial breast and/or ovarian cancer (PMID: 26848529). In a large breast cancer case-control study, this variant has been observed in 0/60466 cases and 2/53461 unaffected controls (PMID: 33471991). This variant has been identified in 2/251354 chromosomes in the general population by the Genome Aggregation Database (gnomAD). The available evidence is insufficient to determine the role of this variant in disease conclusively. Therefore, this variant is classified as a Variant of Uncertain Significance.

Quest Diagnostics Nichols Institute San Juan Capistrano
Classification: Uncertain significance. Last evaluated: 2018-04-27. Review status: criteria provided, single submitter. Criteria: Quest Diagnostics criteria. Collection method: clinical testing. Allele origin: germline.

Literature cited by the submitters: PubMed 26848529 (cited by 3 submitters); PubMed 30702160 (cited by Labcorp Genetics (formerly Invitae), Labcorp); PubMed 33471991 (cited by Color Diagnostics, LLC DBA Color Health).

NM_007294.4(BRCA1):c.919A>G (p.Lys307Glu)

Gene: BRCA1 (BRCA1 DNA repair associated; minus strand). Cytogenetic location: 17q21.31.
Variant type: single nucleotide variant.
Coding change: c.919A>G on transcript NM_007294.4 (MANE Select); coding-DNA position 919, A replaced by G.
Protein change: p.Lys307Glu; replaces lysine 307 with glutamic acid.
Molecular consequence: missense variant. On other transcripts: intron variant (137).
Genome position (GRCh38, 1-based): chr17:43,094,612, T>C on the plus strand (A>G on the coding strand, the complement: BRCA1 is on the minus strand). VCF-style: chr17-43094612-T-C. GRCh37 (hg19) VCF-style: chr17-41246629-T-C.
Other names: c.796A>G, p.Lys266Glu (NM_001407668.1, NM_001407648.1, NM_001407664.1 and 19 more transcripts); c.793A>G, p.Lys265Glu (NM_001407673.1, NM_001407649.1, NM_001407670.1 and 11 more transcripts); c.643+132A>G (NM_001408470.1, NM_001408464.1, NM_001408468.1 and 3 more transcripts); c.646+132A>G (NM_001408469.1, NM_001408453.1, NM_001408461.1 and 11 more transcripts); c.784+132A>G (NM_001408397.1, NM_001408401.1, NM_001408396.1 and 13 more transcripts); c.664+132A>G (NM_001408436.1, NM_001408444.1, NM_001408438.1 and 12 more transcripts); c.787+132A>G (NM_001407980.1, NM_001407993.1, NM_001407976.1 and 19 more transcripts); c.652+132A>G (NM_001408451.1); and 40 more; short protein forms K307E, K260E, K180E, K281E, K306E, K11E, K195E, K218E.
Identifiers: ClinVar variation 482907 (VCV000482907.24), dbSNP rs1216516227, ClinGen allele CA10600231.